The following is an entry in ClinVar:

ClinVar aggregate classification (germline): Uncertain significance (1 of 4 stars; one submission).

Conditions:
Inborn genetic diseases. Identifiers: MedGen C0950123, MeSH D030342.

Submission:

Ambry Genetics
Classification: Uncertain significance for Inborn genetic diseases. Last evaluated: 2025-06-20. Review status: criteria provided, single submitter. Criteria: Ambry Variant Classification Scheme 2023. Collection method: clinical testing. Allele origin: germline.
Comment: The p.L1187R variant (also known as c.3560T>G), located in coding exon 24 of the ANKRD26 gene, results from a T to G substitution at nucleotide position 3560. The leucine at codon 1187 is replaced by arginine, an amino acid with dissimilar properties. This amino acid position is conserved. In addition, this alteration is predicted to be tolerated by in silico analysis. Based on the available evidence, the clinical significance of this variant remains unclear.

NM_014915.3(ANKRD26):c.3560T>G (p.Leu1187Arg)

Gene: ANKRD26 (ankyrin repeat domain containing 26; minus strand). Cytogenetic location: 10p12.1.
Variant type: single nucleotide variant.
Coding change: c.3560T>G on transcript NM_014915.3 (MANE Select); coding-DNA position 3560, T replaced by G.
Protein change: p.Leu1187Arg; replaces leucine 1187 with arginine.
Molecular consequence: missense variant.
Genome position (GRCh38, 1-based): chr10:27,034,890, A>C on the plus strand (T>G on the coding strand, the complement: ANKRD26 is on the minus strand). VCF-style: chr10-27034890-A-C. GRCh37 (hg19) VCF-style: chr10-27323819-A-C.
Other names: c.3557T>G, p.Leu1186Arg (NM_001256053.2); short protein forms L1186R, L1187R.
Identifiers: ClinVar variation 4102797 (VCV004102797.1).